The following is an entry in ClinVar:

ClinVar aggregate classification (germline): Uncertain significance. Review status: reviewed by expert panel (3 of 4 stars). 7 submissions from 6 submitters: Uncertain significance (1). 6 of the submissions do not count toward it. Last evaluated 2025-08-01.

Conditions:
RYR1-related disorder. Also called: RYR1-related condition; RYR1-related disorders. Identifiers: MedGen CN239331.
Congenital multicore myopathy with external ophthalmoplegia (CMYO1B). Also called: MULTICORE MYOPATHY; Minicore myopathy with external ophthalmoplegia; Congenital myopathy 1B, autosomal recessive; Minicore myopathy; MULTIMINICORE DISEASE WITH EXTERNAL OPHTHALMOPLEGIA. Identifiers: Orphanet 598, Orphanet 98905, MedGen C1850674, MONDO:0009712, OMIM 255320, HP:0003789.
Malignant hyperthermia, susceptibility to, 1 (MHS1). Also called: Anesthesia related hyperthermia; Malignant hyperpyrexia; Fulminating hyperpyrexia; Pharmacogenic myopathy; RYR1-Related Malignant Hyperthermia Susceptibility; Malignant hyperthermia suceptibility 1. Identifiers: Orphanet 423, MedGen C2930980, MONDO:0007783, OMIM 145600.

Allele frequency attached by ClinVar (database versions not stated): gnomAD exomes below 0.00001; ExAC 0.00001; gnomAD 0.00001 and 0.00002; TOPMed 0.00001; 1000 Genomes Project 30x 0.00016; 1000 Genomes Project 0.00020.
gnomAD v4.1: 6 of 1,614,112 alleles (0.00037%); highest among the groups gnomAD compares: Admixed American, 0.005%; no homozygotes.

Submissions (7):

ClinGen Malignant Hyperthermia Susceptibility Variant Curation Expert Panel, ClinGen
Classification: Uncertain significance for Malignant hyperthermia, susceptibility to, 1. Last evaluated: 2025-08-01. Review status: reviewed by expert panel. Criteria: ClinGen MHS ACMG Specifications V2. Collection method: curation. Allele origin: germline. Inheritance: Autosomal dominant inheritance. Study: ClinGen.
Comment: This pathogenicity assessment is relevant only for malignant hyperthermia susceptibility (MHS) inherited in an autosomal dominant pattern. Variants in RYR1 can also cause other myopathies inherited in an autosomal dominant pattern or in an autosomal recessive pattern. Some of these disorders may predispose individuals to malignant hyperthermia. RYR1 variants may also contribute to a malignant hyperthermia reaction in combination with other genetic and non-genetic factors and the clinician needs to consider such factors in making management decisions. This sequence variant predicts a substitution of Proline with Leucine at codon 2462 of the RYR1 protein, p.(Pro2462Leu). The maximum allele frequency for this variant among the six major gnomAD populations is SAS: 0.000033, a frequency consistent with pathogenicity for MHS. To our knowledge this variant has not been reported in the literature in individuals who have a personal or family history of a malignant hyperthermia reaction. No functional studies were identified for this variant. This variant does not reside in a hotspot for pathogenic variants that contribute to MHS. A REVEL score >0.85 supports a pathogenic status for this variant, PP3_Moderate. This variant has been classified as a Variant of Unknown Significance. Criteria implemented: PP3_Moderate.

GeneDx
Classification: Uncertain significance. Last evaluated: 2025-05-07. Review status: criteria provided, single submitter. Criteria: GeneDx Variant Classification Process June 2021. Collection method: clinical testing. Allele origin: germline. Affected: yes. Not counted in ClinVar's aggregate classification.
Comment: Not observed at significant frequency in large population cohorts (gnomAD); In silico analysis supports that this missense variant has a deleterious effect on protein structure/function; Has not been previously published as pathogenic or benign to our knowledge

Revvity Omics, Revvity
Classification: Uncertain significance. Last evaluated: 2024-09-20. Review status: criteria provided, single submitter. Criteria: ACMG Guidelines, 2015. Collection method: clinical testing. Allele origin: germline. Not counted in ClinVar's aggregate classification.

Color Diagnostics, LLC DBA Color Health
Classification: Uncertain significance for Malignant hyperthermia, susceptibility to, 1. Last evaluated: 2024-03-19. Review status: criteria provided, single submitter. Criteria: ACMG Guidelines, 2015. Collection method: clinical testing. Allele origin: germline. Not counted in ClinVar's aggregate classification.
Comment: This missense variant replaces proline with leucine at codon 2462 of the RYR1 protein. Computational prediction suggests that this variant may have deleterious impact on protein structure and function. To our knowledge, functional studies have not been reported for this variant. This variant has not been reported in individuals affected with RYR1-related disorders in the literature. This variant has been identified in 2/282596 chromosomes in the general population by the Genome Aggregation Database (gnomAD). The available evidence is insufficient to determine the role of this variant in disease conclusively. Therefore, this variant is classified as a Variant of Uncertain Significance.

Labcorp Genetics (formerly Invitae), Labcorp
Classification: Uncertain significance for RYR1-related disorder. Last evaluated: 2021-12-08. Review status: criteria provided, single submitter. Criteria: Invitae Variant Classification Sherloc (09022015). Collection method: clinical testing. Allele origin: germline. Not counted in ClinVar's aggregate classification.
Comment: This sequence change replaces proline, which is neutral and non-polar, with leucine, which is neutral and non-polar, at codon 2462 of the RYR1 protein (p.Pro2462Leu). This variant is present in population databases (rs551223467, gnomAD 0.003%). This variant has not been reported in the literature in individuals affected with RYR1-related conditions. ClinVar contains an entry for this variant (Variation ID: 329061). Advanced modeling of protein sequence and biophysical properties (such as structural, functional, and spatial information, amino acid conservation, physicochemical variation, residue mobility, and thermodynamic stability) performed at Invitae indicates that this missense variant is expected to disrupt RYR1 protein function. In summary, the available evidence is currently insufficient to determine the role of this variant in disease. Therefore, it has been classified as a Variant of Uncertain Significance.

Illumina Laboratory Services, Illumina
Classification: Likely benign for Congenital multicore myopathy with external ophthalmoplegia. Last evaluated: 2017-04-28. Review status: criteria provided, single submitter. Criteria: ICSL Variant Classification Criteria 13 December 2019. Collection method: clinical testing. Allele origin: germline. Not counted in ClinVar's aggregate classification.
Comment: This variant was observed as part of a predisposition screen in an ostensibly healthy population. A literature search was performed for the gene, cDNA change, and amino acid change (where applicable). No publications were found based on this search. Allele frequency data from public databases allowed determination this variant is unlikely to cause disease. Therefore, this variant is classified as likely benign.

Illumina Laboratory Services, Illumina
Classification: Likely benign for Malignant hyperthermia, susceptibility to, 1. Last evaluated: 2017-04-28. Review status: criteria provided, single submitter. Criteria: ICSL Variant Classification Criteria 13 December 2019. Collection method: clinical testing. Allele origin: germline. Not counted in ClinVar's aggregate classification.
Comment: the same text as in the submission from Illumina Laboratory Services, Illumina above.

NM_000540.3(RYR1):c.7385C>T (p.Pro2462Leu)

Gene: RYR1 (ryanodine receptor 1; plus strand). Cytogenetic location: 19q13.2.
Variant type: single nucleotide variant.
Coding change: c.7385C>T on transcript NM_000540.3 (MANE Select); coding-DNA position 7385, C replaced by T.
Protein change: p.Pro2462Leu; replaces proline 2462 with leucine.
Molecular consequence: missense variant.
Genome position (GRCh38, 1-based): chr19:38,500,667, C>T. VCF-style: chr19-38500667-C-T. GRCh37 (hg19) VCF-style: chr19-38991307-C-T.
Other names: NM_000540.2(RYR1):c.7385C>T; p.Pro2462Leu; c.7385C>T, p.Pro2462Leu (NM_001042723.2); short protein forms P2462L.
Identifiers: ClinVar variation 329061 (VCV000329061.16), dbSNP rs551223467, ClinGen allele CA069583.